The following is an entry in ClinVar:

NM_000094.4(COL7A1):c.5920C>G (p.Pro1974Ala)

Gene: COL7A1 (collagen type VII alpha 1 chain; minus strand). Cytogenetic location: 3p21.31.
Variant type: single nucleotide variant.
Coding change: c.5920C>G on transcript NM_000094.4 (MANE Select); coding-DNA position 5920, C replaced by G.
Protein change: p.Pro1974Ala; replaces proline 1974 with alanine.
Molecular consequence: missense variant.
Genome position (GRCh38, 1-based): chr3:48,575,685, G>C on the plus strand (C>G on the coding strand, the complement: COL7A1 is on the minus strand). VCF-style: chr3-48575685-G-C. GRCh37 (hg19) VCF-style: chr3-48613118-G-C.
Other names: short protein forms P1974A.
Identifiers: ClinVar variation 3629335 (VCV003629335.2).

ClinVar aggregate classification (germline): Uncertain significance (1 of 4 stars; one submission).

gnomAD v4.1: 4 of 1,613,552 alleles (0.00025%); highest among the groups gnomAD compares: Admixed American, 0.0067%; no homozygotes.

Submission:

Labcorp Genetics (formerly Invitae), Labcorp
Classification: Uncertain significance. Last evaluated: 2024-05-23. Review status: criteria provided, single submitter. Criteria: Invitae Variant Classification Sherloc (09022015). Collection method: clinical testing. Allele origin: germline.
Comment: This sequence change replaces proline, which is neutral and non-polar, with alanine, which is neutral and non-polar, at codon 1974 of the COL7A1 protein (p.Pro1974Ala). This variant is not present in population databases (gnomAD no frequency). This variant has not been reported in the literature in individuals affected with COL7A1-related conditions. Advanced modeling of protein sequence and biophysical properties (such as structural, functional, and spatial information, amino acid conservation, physicochemical variation, residue mobility, and thermodynamic stability) performed at Invitae indicates that this missense variant is not expected to disrupt COL7A1 protein function with a negative predictive value of 95%. In summary, the available evidence is currently insufficient to determine the role of this variant in disease. Therefore, it has been classified as a Variant of Uncertain Significance.